The following is an entry in ClinVar:

NM_032043.3(BRIP1):c.733A>G (p.Lys245Glu)

Gene: BRIP1 (BRCA1 interacting DNA helicase 1; minus strand). Cytogenetic location: 17q23.2.
Variant type: single nucleotide variant.
Coding change: c.733A>G on transcript NM_032043.3 (MANE Select); coding-DNA position 733, A replaced by G.
Protein change: p.Lys245Glu; replaces lysine 245 with glutamic acid.
Molecular consequence: missense variant.
Genome position (GRCh38, 1-based): chr17:61,808,652, T>C on the plus strand (A>G on the coding strand, the complement: BRIP1 is on the minus strand). VCF-style: chr17-61808652-T-C. GRCh37 (hg19) VCF-style: chr17-59886013-T-C.
Other names: short protein forms K245E.
Identifiers: ClinVar variation 3753562 (VCV003753562.2).

ClinVar aggregate classification (germline): Uncertain significance (1 of 4 stars; one submission).

Conditions:
Fanconi anemia complementation group J. Also called: BRIP1-Related Fanconi Anemia. Identifiers: Orphanet 84, MedGen C1836860, MONDO:0012187, OMIM 609054.
Familial cancer of breast. Also called: BREAST CANCER, FAMILIAL; Hereditary breast cancer; hereditary breast carcinoma. Identifiers: Orphanet 227535, MedGen C0346153, MONDO:0016419, OMIM 114480. Disease mechanism: loss of function.

Submission:

Labcorp Genetics (formerly Invitae), Labcorp
Classification: Uncertain significance for Familial cancer of breast; Fanconi anemia complementation group J. Last evaluated: 2024-01-25. Review status: criteria provided, single submitter. Criteria: Invitae Variant Classification Sherloc (09022015). Collection method: clinical testing. Allele origin: germline.
Comment: This sequence change replaces lysine, which is basic and polar, with glutamic acid, which is acidic and polar, at codon 245 of the BRIP1 protein (p.Lys245Glu). This variant is not present in population databases (gnomAD no frequency). This variant has not been reported in the literature in individuals affected with BRIP1-related conditions. Advanced modeling of protein sequence and biophysical properties (such as structural, functional, and spatial information, amino acid conservation, physicochemical variation, residue mobility, and thermodynamic stability) performed at Invitae indicates that this missense variant is expected to disrupt BRIP1 protein function with a positive predictive value of 80%. In summary, the available evidence is currently insufficient to determine the role of this variant in disease. Therefore, it has been classified as a Variant of Uncertain Significance.